The following is an entry in ClinVar:

NM_153676.4(USH1C):c.2539G>A (p.Asp847Asn)

Gene: USH1C (USH1 protein network component harmonin; minus strand). Cytogenetic location: 11p15.1.
Variant type: single nucleotide variant.
Coding change: c.2539G>A on transcript NM_153676.4 (MANE Select); coding-DNA position 2539, G replaced by A.
Protein change: p.Asp847Asn; replaces aspartic acid 847 with asparagine.
Molecular consequence: missense variant. On other transcripts: non-coding transcript variant (1).
Genome position (GRCh38, 1-based): chr11:17,496,765, C>T on the plus strand (G>A on the coding strand, the complement: USH1C is on the minus strand). VCF-style: chr11-17496765-C-T. GRCh37 (hg19) VCF-style: chr11-17518312-C-T.
Other names: c.1582G>A, p.Asp528Asn (NM_001297764.2); c.1639G>A, p.Asp547Asn (NM_005709.4); c.2539G>A (NM_153676.3); short protein forms D847N, D528N, D547N.
Identifiers: ClinVar variation 950695 (VCV000950695.13), dbSNP rs138123405, ClinGen allele CA5904118.

ClinVar aggregate classification (germline): Uncertain significance. Review status: criteria provided, multiple submitters, no conflicts (2 of 4 stars). 6 submissions from 6 submitters: Uncertain significance (5). 1 of the submissions does not count toward it. Last evaluated 2026-06-03.

Conditions:
Inborn genetic diseases. Identifiers: MedGen C0950123, MeSH D030342.
Usher syndrome type 1C. Also called: USHER SYNDROME, TYPE I, ACADIAN VARIETY. Identifiers: Orphanet 231169, Orphanet 886, MedGen C1848604, MONDO:0010171, OMIM 276904.
USH1C-related disorder. Also called: USH1C-related condition.

Allele frequency attached by ClinVar (database versions not stated): gnomAD exomes 0.00002 and 0.00008; ExAC 0.00009; 1000 Genomes Project 30x 0.00016; gnomAD 0.00017 and 0.00019; 1000 Genomes Project 0.00020; ESP Exome Variant Server 0.00023; TOPMed 0.00025.
gnomAD v4.1: 61 of 1,614,186 alleles (0.0038%); highest among the groups gnomAD compares: African/African-American, 0.063%; no homozygotes.

Submissions (6):

PreventionGenetics, part of Exact Sciences
Classification: Uncertain significance for USH1C-related condition. Last evaluated: 2026-06-03. Review status: criteria provided, single submitter. Criteria: ACMG Guidelines, 2015. Collection method: clinical testing. Allele origin: germline.
Comment: The USH1C c.2539G>A variant is predicted to result in the amino acid substitution p.Asp847Asn. To our knowledge, this variant has not been reported in the literature. This variant is reported in 0.068% of alleles in individuals of African descent in gnomAD. Although we suspect that this variant may be benign, at this time, the clinical significance of this variant is uncertain due to the absence of conclusive functional and genetic evidence.

GeneDx
Classification: Uncertain significance. Last evaluated: 2025-07-11. Review status: criteria provided, single submitter. Criteria: GeneDx Variant Classification Process June 2021. Collection method: clinical testing. Allele origin: germline. Affected: yes.
Comment: In silico analysis suggests that this missense variant does not alter protein structure/function; Has not been previously published as pathogenic or benign to our knowledge

Ambry Genetics
Classification: Uncertain significance for Inborn genetic diseases. Last evaluated: 2025-01-17. Review status: criteria provided, single submitter. Criteria: Ambry Variant Classification Scheme 2023. Collection method: clinical testing. Allele origin: germline.

Labcorp Genetics (formerly Invitae), Labcorp
Classification: Uncertain significance. Last evaluated: 2024-12-02. Review status: criteria provided, single submitter. Criteria: Invitae Variant Classification Sherloc (09022015). Collection method: clinical testing. Allele origin: germline.
Comment: This sequence change replaces aspartic acid, which is acidic and polar, with asparagine, which is neutral and polar, at codon 547 of the USH1C protein (p.Asp547Asn). This variant is present in population databases (rs138123405, gnomAD 0.07%). This variant has not been reported in the literature in individuals affected with USH1C-related conditions. ClinVar contains an entry for this variant (Variation ID: 950695). An algorithm developed to predict the effect of missense changes on protein structure and function (PolyPhen-2) suggests that this variant is likely to be disruptive. In summary, the available evidence is currently insufficient to determine the role of this variant in disease. Therefore, it has been classified as a Variant of Uncertain Significance.

Blueprint Genetics
Classification: Uncertain significance. Last evaluated: 2024-08-06. Review status: criteria provided, single submitter. Criteria: ACMG Guidelines, 2015. Collection method: clinical testing. Allele origin: germline.

Natera, Inc.
Classification: Uncertain significance for Usher syndrome type 1C. Last evaluated: 2020-01-23. Review status: no assertion criteria provided. Collection method: clinical testing. Allele origin: germline. Not counted in ClinVar's aggregate classification.